The following is an entry in ClinVar:

ClinVar aggregate classification (germline): Uncertain significance (1 of 4 stars; one submission).

Allele frequency attached by ClinVar (database versions not stated): gnomAD exomes below 0.00001; TOPMed below 0.00001; gnomAD 0.00001.
gnomAD v4.1: 3 of 1,613,552 alleles (0.00019%); highest among the groups gnomAD compares: African/African-American, 0.0013%; no homozygotes.

Submission:

Labcorp Genetics (formerly Invitae), Labcorp
Classification: Uncertain significance. Last evaluated: 2022-08-10. Review status: criteria provided, single submitter. Criteria: Invitae Variant Classification Sherloc (09022015). Collection method: clinical testing. Allele origin: germline.
Comment: This sequence change replaces glutamic acid, which is acidic and polar, with lysine, which is basic and polar, at codon 701 of the KIAA1549 protein (p.Glu701Lys). In summary, the available evidence is currently insufficient to determine the role of this variant in disease. Therefore, it has been classified as a Variant of Uncertain Significance. Algorithms developed to predict the effect of missense changes on protein structure and function (SIFT, PolyPhen-2, Align-GVGD) all suggest that this variant is likely to be tolerated. ClinVar contains an entry for this variant (Variation ID: 1362066). This variant has not been reported in the literature in individuals affected with KIAA1549-related conditions. This variant is not present in population databases (gnomAD no frequency).

NM_001164665.2(KIAA1549):c.2101G>A (p.Glu701Lys)

Gene: KIAA1549 (KIAA1549; minus strand). Cytogenetic location: 7q34.
Variant type: single nucleotide variant.
Coding change: c.2101G>A on transcript NM_001164665.2 (MANE Select); coding-DNA position 2101, G replaced by A.
Protein change: p.Glu701Lys; replaces glutamic acid 701 with lysine.
Molecular consequence: missense variant.
Genome position (GRCh38, 1-based): chr7:138,917,525, C>T on the plus strand (G>A on the coding strand, the complement: KIAA1549 is on the minus strand). VCF-style: chr7-138917525-C-T. GRCh37 (hg19) VCF-style: chr7-138602271-C-T.
Other names: c.2101G>A, p.Glu701Lys (NM_020910.3); short protein forms E701K.
Identifiers: ClinVar variation 1362066 (VCV001362066.8), dbSNP rs997771011, ClinGen allele CA167163526.